The following is an entry in ClinVar:

NM_014249.4(NR2E3):c.350-2A>G

Gene: NR2E3 (nuclear receptor subfamily 2 group E member 3; plus strand). Cytogenetic location: 15q23.
Variant type: single nucleotide variant.
Coding change: c.350-2A>G on transcript NM_014249.4 (MANE Select); the canonical splice acceptor site of the intron before coding-DNA position 350, A replaced by G.
Molecular consequence: splice acceptor variant.
Genome position (GRCh38, 1-based): chr15:71,811,953, A>G. VCF-style: chr15-71811953-A-G. GRCh37 (hg19) VCF-style: chr15-72104293-A-G.
Other names: c.350-2A>G (NM_016346.4).
Identifiers: ClinVar variation 2820902 (VCV002820902.3), dbSNP rs2543254013, ClinGen allele CA393033782.

ClinVar aggregate classification (germline): Likely pathogenic (1 of 4 stars; one submission).

Submission:

Labcorp Genetics (formerly Invitae), Labcorp
Classification: Likely pathogenic. Last evaluated: 2022-12-15. Review status: criteria provided, single submitter. Criteria: Invitae Variant Classification Sherloc (09022015). Collection method: clinical testing. Allele origin: germline.
Comment: In summary, the currently available evidence indicates that the variant is pathogenic, but additional data are needed to prove that conclusively. Therefore, this variant has been classified as Likely Pathogenic. Algorithms developed to predict the effect of sequence changes on RNA splicing suggest that this variant may disrupt the consensus splice site. This variant has not been reported in the literature in individuals affected with NR2E3-related conditions. This variant is not present in population databases (gnomAD no frequency). This sequence change affects an acceptor splice site in intron 3 of the NR2E3 gene. It is expected to disrupt RNA splicing. Variants that disrupt the donor or acceptor splice site typically lead to a loss of protein function (PMID: 16199547), and loss-of-function variants in NR2E3 are known to be pathogenic (PMID: 15459973, 27522502).

Literature cited by the submitters: PubMed 16199547; PubMed 15459973; PubMed 27522502.